The following is an entry in ClinVar:

NM_173628.4(DNAH17):c.[10496C>T;10784T>C]

Variant type: Haplotype.
Identifiers: ClinVar variation 692269 (VCV000692269.3).

ClinVar aggregate classification (germline): Likely pathogenic. Review status: criteria provided, single submitter (1 of 4 stars). 2 submissions from 2 submitters: Likely pathogenic (1). 1 of the submissions does not count toward it. Last evaluated 2020-02-14.

Conditions:
Spermatogenic failure 39. Identifiers: MedGen C5231438, MONDO:0032845, OMIM 618643.

Submissions (2):

SIB Swiss Institute of Bioinformatics
Classification: Likely pathogenic for Spermatogenic failure 39. Last evaluated: 2020-02-14. Review status: criteria provided, single submitter. Criteria: ACMG Guidelines, 2015. Collection method: curation. Allele origin: unknown.
Comment: This variant is interpreted as a likely pathogenic for spermatogenic failure 39, autosomal recessive. The following ACMG Tag(s) were applied: PM2, PP2, PM1-supporting, PS3.

OMIM
Classification: Pathogenic for SPERMATOGENIC FAILURE 39. Last evaluated: 2022-07-27. Review status: no assertion criteria provided. Collection method: literature only. Allele origin: germline. Not counted in ClinVar's aggregate classification.

Literature cited by the submitters: PubMed 31178125 (cited by SIB Swiss Institute of Bioinformatics and OMIM).